The following is an entry in ClinVar:

ClinVar aggregate classification (germline): Uncertain significance (0 of 4 stars; one submission).

gnomAD v4.1: 1 of 1,614,240 alleles (0.000062%); no homozygotes.

Submission:

Department of Pathology and Laboratory Medicine, Sinai Health System
Classification: Uncertain significance. Review status: no assertion criteria provided. Collection method: clinical testing. Allele origin: unknown. Affected: yes. Study: The Canadian Open Genetics Repository (COGR).
Comment: The ADAR p.Asp263His variant was not identified in the literature nor was it identified in dbSNP, ClinVar, Cosmic, LOVD 3.0 or in the following control databases: the 1000 Genomes Project, the NHLBI GO Exome Sequencing Project, the Exome Aggregation Consortium (August 8th 2016), or the Genome Aggregation Database (Feb 27, 2017). The variant occurs outside of the splicing consensus sequence and in silico or computational prediction software programs (SpliceSiteFinder, MaxEntScan, NNSPLICE, GeneSplicer) do not predict a difference in splicing. The p.Asp263 residue is not conserved in mammals and computational analyses (PolyPhen-2, SIFT, AlignGVGD, BLOSUM, MutationTaster) do not suggest a high likelihood of impact to the protein; however, this information is not predictive enough to rule out pathogenicity. In summary, based on the above information the clinical significance of this variant cannot be determined with certainty at this time. This variant is classified as a variant of uncertain significance.

NM_001111.5(ADAR):c.787G>C (p.Asp263His)

Gene: ADAR (adenosine deaminase RNA specific; minus strand). Cytogenetic location: 1q21.3.
Variant type: single nucleotide variant.
Coding change: c.787G>C on transcript NM_001111.5 (MANE Select); coding-DNA position 787, G replaced by C.
Protein change: p.Asp263His; replaces aspartic acid 263 with histidine.
Molecular consequence: missense variant. On other transcripts: 5 prime UTR variant (6).
Genome position (GRCh38, 1-based): chr1:154,601,855, C>G on the plus strand (G>C on the coding strand, the complement: ADAR is on the minus strand). VCF-style: chr1-154601855-C-G. GRCh37 (hg19) VCF-style: chr1-154574331-C-G.
Other names: c.-99G>C (NM_001193495.2, NM_001365048.1, NM_001365046.1 and 3 more transcripts); c.814G>C, p.Asp272His (NM_001365045.1); c.787G>C, p.Asp263His (NM_015840.4, NM_015841.4); short protein forms D263H, D272H.
Identifiers: ClinVar variation 1050006 (VCV001050006.1), dbSNP rs766779037, ClinGen allele CA342600009.
Genomic context (GRCh38, chr1:154,601,855, plus strand): 5'-AGTTGCTGTCTTCAGGTTCCAAACCTGGGTCTGAGTTTGGGGATCCTTGGCTATGACTGT[C>G]TGGTCTTACCACTCCGCTGTGCTGGTTCCAAGCCTGAGCTGAGACTGCAATAAAAGGCTC-3'
Protein context (NP_001102.3, residues 253-273): WNQHSGVVRP[Asp263His]SHSQGSPNSD